The following is an entry in ClinVar:

NM_006044.4(HDAC6):c.494G>A (p.Arg165His)

Gene: HDAC6 (histone deacetylase 6; plus strand). Cytogenetic location: Xp11.23.
Variant type: single nucleotide variant.
Coding change: c.494G>A on transcript NM_006044.4 (MANE Select); coding-DNA position 494, G replaced by A.
Protein change: p.Arg165His; replaces arginine 165 with histidine.
Molecular consequence: missense variant. On other transcripts: 3 prime UTR variant (2), non-coding transcript variant (3).
Genome position (GRCh38, 1-based): chrX:48,806,424, G>A. VCF-style: chrX-48806424-G-A. GRCh37 (hg19) VCF-style: chrX-48664831-G-A.
Other names: c.536G>A, p.Arg179His (NM_001321225.2); c.494G>A, p.Arg165His (NM_001321226.2, NM_001321227.2, NM_001321228.2 and 1 more transcripts); c.*749G>A (NM_001321230.2, NM_001321231.2); short protein forms R165H, R179H.
Identifiers: ClinVar variation 4995754 (VCV004995754.1).

ClinVar aggregate classification (germline): Likely benign (1 of 4 stars; one submission).

Conditions:
HDAC6-related disorder. Also called: HDAC6-related condition.

gnomAD v4.1: 103 of 1,197,684 alleles (0.0086%); highest among the groups gnomAD compares: South Asian, 0.078%; no homozygotes.

Submission:

PreventionGenetics, part of Exact Sciences
Classification: Likely benign for HDAC6-related condition. Last evaluated: 2026-08-31. Review status: criteria provided, single submitter. Criteria: ACMG Guidelines, 2015. Collection method: clinical testing. Allele origin: germline.
Comment: This variant is classified as likely benign based on ACMG/AMP sequence variant interpretation guidelines (Richards et al. 2015 PMID: 25741868, with internal and published modifications).